The following is an entry in ClinVar:

NM_172107.4(KCNQ2):c.1632-12dup

Gene: KCNQ2 (potassium voltage-gated channel subfamily Q member 2; minus strand). Cytogenetic location: 20q13.33.
Variant type: Duplication.
Coding change: c.1632-12dup on transcript NM_172107.4 (MANE Select); 12 bases into the intron before coding-DNA position 1632, one base duplicated (A; older notation c.1632-12dupA).
Molecular consequence: intron variant.
Genome position (GRCh38, 1-based): chr20:63,413,593, T duplicated on the plus strand (A on the coding strand, the reverse complement: KCNQ2 is on the minus strand). VCF-style (leftmost placement, unchanged base first): chr20-63413592-G-GT. GRCh37 (hg19) VCF-style: chr20-62044945-G-GT.
Other names: c.1548-12dup (NM_004518.6); c.1539-12dup (NM_172108.5); c.1578-12dup (NM_172106.3).
Identifiers: ClinVar variation 512879 (VCV000512879.9), dbSNP rs745393879, ClinGen allele CA9958342.

ClinVar aggregate classification (germline): Likely benign. Review status: criteria provided, multiple submitters, no conflicts (2 of 4 stars). 2 submissions from 2 submitters: Likely benign (2). Last evaluated 2024-10-30.

Conditions:
Early-infantile DEE. Also called: Early infantile epileptic encephalopathy; Ohtahara syndrome; Early infantile epileptic encephalopathy with suppression bursts. Identifiers: Orphanet 1934, MedGen C0393706, MONDO:0800491.

Allele frequency attached by ClinVar (database versions not stated): gnomAD exomes below 0.00001; TOPMed below 0.00001; ExAC 0.00001.

Submissions (2):

Labcorp Genetics (formerly Invitae), Labcorp
Classification: Likely benign for Early-infantile DEE. Last evaluated: 2024-10-30. Review status: criteria provided, single submitter. Criteria: Invitae Variant Classification Sherloc (09022015). Collection method: clinical testing. Allele origin: germline.

GeneDx
Classification: Likely benign. Last evaluated: 2017-10-25. Review status: criteria provided, single submitter. Criteria: GeneDx Variant Classification (06012015). Collection method: clinical testing. Allele origin: germline. Affected: yes.
Comment: This variant is considered likely benign or benign based on one or more of the following criteria: it is a conservative change, it occurs at a poorly conserved position in the protein, it is predicted to be benign by multiple in silico algorithms, and/or has population frequency not consistent with disease.